The following is an entry in ClinVar:

ClinVar aggregate classification (germline): Conflicting classifications of pathogenicity. Review status: criteria provided, conflicting classifications (1 of 4 stars). 2 submissions from 2 submitters: Uncertain significance (1); Likely benign (1). Last evaluated 2024-12-09.

Conditions:
Koolen-de Vries syndrome (KDVS). Identifiers: Orphanet 96169, MedGen C1864871, MONDO:0012496, OMIM 610443.

Allele frequency attached by ClinVar (database versions not stated): gnomAD exomes 0.00003; TOPMed 0.00010; gnomAD 0.00013 and 0.00014; ExAC 0.00006; ESP Exome Variant Server 0.00008; 1000 Genomes Project 30x 0.00062; 1000 Genomes Project 0.00080.
gnomAD v4.1: 33 of 1,614,198 alleles (0.002%); highest among the groups gnomAD compares: African/African-American, 0.044%; no homozygotes.

Submissions (2):

Labcorp Genetics (formerly Invitae), Labcorp
Classification: Uncertain significance for Koolen-de Vries syndrome. Last evaluated: 2024-12-09. Review status: criteria provided, single submitter. Criteria: Invitae Variant Classification Sherloc (09022015). Collection method: clinical testing. Allele origin: germline.
Comment: This sequence change replaces glutamine, which is neutral and polar, with leucine, which is neutral and non-polar, at codon 396 of the KANSL1 protein (p.Gln396Leu). The frequency data for this variant in the population databases (gnomAD) is considered unreliable due to the presence of homologous sequence, such as pseudogenes or paralogs, in the genome. This variant has not been reported in the literature in individuals affected with KANSL1-related conditions. ClinVar contains an entry for this variant (Variation ID: 205811). Invitae Evidence Modeling of protein sequence and biophysical properties (such as structural, functional, and spatial information, amino acid conservation, physicochemical variation, residue mobility, and thermodynamic stability) indicates that this missense variant is not expected to disrupt KANSL1 protein function with a negative predictive value of 80%. In summary, the available evidence is currently insufficient to determine the role of this variant in disease. Therefore, it has been classified as a Variant of Uncertain Significance.

GeneDx
Classification: Likely benign. Last evaluated: 2019-06-14. Review status: criteria provided, single submitter. Criteria: GeneDx Variant Classification Process June 2021. Collection method: clinical testing. Allele origin: germline. Affected: yes.
Comment: In silico analysis, which includes protein predictors and evolutionary conservation, supports a deleterious effect; Has not been previously published as pathogenic or benign to our knowledge

NM_015443.4(KANSL1):c.1187A>T (p.Gln396Leu)

Gene: KANSL1 (KAT8 regulatory NSL complex subunit 1). Cytogenetic location: 17q21.31.
Variant type: single nucleotide variant.
Coding change: c.1187A>T on transcript NM_015443.4 (MANE Select); coding-DNA position 1187, A replaced by T.
Protein change: p.Gln396Leu; replaces glutamine 396 with leucine.
Molecular consequence: missense variant.
Genome position (GRCh38, 1-based): chr17:46,170,957, T>A on the plus strand (A>T on the coding strand, the complement: KANSL1 is on the minus strand). VCF-style: chr17-46170957-T-A. GRCh37 (hg19) VCF-style: chr17-44248323-T-A.
Other names: p.Q396L:CAG>CTG; c.1187A>T, p.Gln396Leu (NM_001193465.2, NM_001193466.2, NM_001379198.1); short protein forms Q396L.
Identifiers: ClinVar variation 205811 (VCV000205811.8), dbSNP rs149302199, ClinGen allele CA315249.